The following is an entry in ClinVar:

NM_001286.5(CLCN6):c.1921G>T (p.Gly641Cys)

Gene: CLCN6 (chloride voltage-gated channel 6; plus strand). Cytogenetic location: 1p36.22.
Variant type: single nucleotide variant.
Coding change: c.1921G>T on transcript NM_001286.5 (MANE Select); coding-DNA position 1921, G replaced by T.
Protein change: p.Gly641Cys; replaces glycine 641 with cysteine.
Molecular consequence: missense variant. On other transcripts: non-coding transcript variant (1).
Genome position (GRCh38, 1-based): chr1:11,836,094, G>T. VCF-style: chr1-11836094-G-T. GRCh37 (hg19) VCF-style: chr1-11896151-G-T.
Other names: c.1855G>T, p.Gly619Cys (NM_001256959.2); short protein forms G641C, G619C.
Identifiers: ClinVar variation 2861351 (VCV002861351.3), dbSNP rs759368435, ClinGen allele CA338438607.

ClinVar aggregate classification (germline): Uncertain significance (1 of 4 stars; one submission).

Submission:

Labcorp Genetics (formerly Invitae), Labcorp
Classification: Uncertain significance. Last evaluated: 2023-08-30. Review status: criteria provided, single submitter. Criteria: Invitae Variant Classification Sherloc (09022015). Collection method: clinical testing. Allele origin: germline.
Comment: In summary, the available evidence is currently insufficient to determine the role of this variant in disease. Therefore, it has been classified as a Variant of Uncertain Significance. An algorithm developed to predict the effect of missense changes on protein structure and function (PolyPhen-2) suggests that this variant is likely to be disruptive. This variant has not been reported in the literature in individuals affected with CLCN6-related conditions. This variant is not present in population databases (gnomAD no frequency). This sequence change replaces glycine, which is neutral and non-polar, with cysteine, which is neutral and slightly polar, at codon 641 of the CLCN6 protein (p.Gly641Cys).